The following is an entry in ClinVar:

NM_022464.5(SIL1):c.1282G>C (p.Glu428Gln)

Gene: SIL1 (SIL1 nucleotide exchange factor; minus strand). Cytogenetic location: 5q31.2.
Variant type: single nucleotide variant.
Coding change: c.1282G>C on transcript NM_022464.5 (MANE Select); coding-DNA position 1282, G replaced by C.
Protein change: p.Glu428Gln; replaces glutamic acid 428 with glutamine.
Molecular consequence: missense variant.
Genome position (GRCh38, 1-based): chr5:138,947,221, C>G on the plus strand (G>C on the coding strand, the complement: SIL1 is on the minus strand). VCF-style: chr5-138947221-C-G. GRCh37 (hg19) VCF-style: chr5-138282910-C-G.
Other names: p.Glu428Gln; c.1282G>C, p.Glu428Gln (NM_001037633.2); short protein forms E428Q.
Identifiers: ClinVar variation 593134 (VCV000593134.12), dbSNP rs761095369, ClinGen allele CA3432330.

ClinVar aggregate classification (germline): Uncertain significance. Review status: criteria provided, multiple submitters, no conflicts (2 of 4 stars). 4 submissions from 4 submitters: Uncertain significance (4). Last evaluated 2024-06-10.

Conditions:
Marinesco-Sjögren syndrome (MSS). Also called: Marinesco-SjÃ¶gren syndrome; Marinesco-Sjogren Syndrome. Identifiers: Orphanet 559, MedGen C0024814, MONDO:0009567, OMIM 248800.

Allele frequency attached by ClinVar (database versions not stated): ExAC 0.00002; gnomAD 0.00003; gnomAD exomes 0.00003 and 0.00007; TOPMed 0.00004.
gnomAD v4.1: 106 of 1,613,114 alleles (0.0066%); highest among the groups gnomAD compares: Middle Eastern, 0.016%; no homozygotes.

Submissions (4):

Mayo Clinic Laboratories, Mayo Clinic
Classification: Uncertain significance. Last evaluated: 2024-06-10. Review status: criteria provided, single submitter. Criteria: ACMG Guidelines, 2015. Collection method: clinical testing. Allele origin: germline. Observed: 1 variant allele.
Comment: BP4

Labcorp Genetics (formerly Invitae), Labcorp
Classification: Uncertain significance for Marinesco-Sjögren syndrome. Last evaluated: 2022-06-08. Review status: criteria provided, single submitter. Criteria: Invitae Variant Classification Sherloc (09022015). Collection method: clinical testing. Allele origin: germline.
Comment: This sequence change replaces glutamic acid, which is acidic and polar, with glutamine, which is neutral and polar, at codon 428 of the SIL1 protein (p.Glu428Gln). This variant is present in population databases (rs761095369, gnomAD 0.006%). This variant has not been reported in the literature in individuals affected with SIL1-related conditions. ClinVar contains an entry for this variant (Variation ID: 593134). Algorithms developed to predict the effect of missense changes on protein structure and function are either unavailable or do not agree on the potential impact of this missense change (SIFT: "Tolerated"; PolyPhen-2: "Probably Damaging"; Align-GVGD: "Class C0"). In summary, the available evidence is currently insufficient to determine the role of this variant in disease. Therefore, it has been classified as a Variant of Uncertain Significance.

Illumina Laboratory Services, Illumina
Classification: Uncertain significance for Marinesco-Sjögren syndrome. Last evaluated: 2018-01-12. Review status: criteria provided, single submitter. Criteria: ICSL Variant Classification Criteria 13 December 2019. Collection method: clinical testing. Allele origin: germline.

Eurofins Ntd Llc (ga)
Classification: Uncertain significance. Last evaluated: 2017-07-12. Review status: criteria provided, single submitter. Criteria: EGL Classification Definitions 2015. Collection method: clinical testing. Allele origin: germline. Observed: 1 variant allele, 1 heterozygote.